The following is an entry in ClinVar:

NM_001170629.2(CHD8):c.1917A>G (p.Glu639=)

Gene: CHD8 (chromodomain helicase DNA binding protein 8; minus strand). Cytogenetic location: 14q11.2.
Variant type: single nucleotide variant.
Coding change: c.1917A>G on transcript NM_001170629.2 (MANE Select); coding-DNA position 1917, A replaced by G.
Protein change: p.Glu639=; no amino-acid change (glutamic acid 639 retained).
Molecular consequence: synonymous variant.
Genome position (GRCh38, 1-based): chr14:21,415,625, T>C on the plus strand (A>G on the coding strand, the complement: CHD8 is on the minus strand). VCF-style: chr14-21415625-T-C. GRCh37 (hg19) VCF-style: chr14-21883784-T-C.
Other names: c.1080A>G, p.Glu360= (NM_020920.4).
Identifiers: ClinVar variation 4084831 (VCV004084831.8).

ClinVar aggregate classification (germline): Likely benign (1 of 4 stars; one submission).

gnomAD v4.1: 2 of 1,608,210 alleles (0.00012%); highest among the groups gnomAD compares: East Asian, 0.0045%; no homozygotes.

Submission:

CeGaT Center for Human Genetics Tuebingen
Classification: Likely benign. Last evaluated: 2025-08-01. Review status: criteria provided, single submitter. Criteria: CeGaT Center For Human Genetics Tuebingen Variant Classification Criteria Version 2. Collection method: clinical testing. Allele origin: germline. Affected: yes. Observed: 1 variant allele.
Comment: CHD8: BP4, BP7